The following is an entry in ClinVar:

NM_001083619.3(GRIA2):c.2476T>G (p.Leu826Val)

Gene: GRIA2 (glutamate ionotropic receptor AMPA type subunit 2; plus strand). Cytogenetic location: 4q32.1.
Variant type: single nucleotide variant.
Coding change: c.2476T>G on transcript NM_001083619.3 (MANE Select); coding-DNA position 2476, T replaced by G.
Protein change: p.Leu826Val; replaces leucine 826 with valine.
Molecular consequence: missense variant.
Genome position (GRCh38, 1-based): chr4:157,362,868, T>G. VCF-style: chr4-157362868-T-G. GRCh37 (hg19) VCF-style: chr4-158284020-T-G.
Other names: c.2476T>G, p.Leu826Val (NM_000826.6); c.2335T>G, p.Leu779Val (NM_001083620.3, NM_001379000.3, NM_001379001.3); short protein forms L779V, L826V.
Identifiers: ClinVar variation 4537822 (VCV004537822.1).

ClinVar aggregate classification (germline): Uncertain significance (1 of 4 stars; one submission).

gnomAD v4.1: 1 of 1,613,500 alleles (0.000062%); highest among the groups gnomAD compares: Middle Eastern, 0.017%; no homozygotes.

Submission:

GeneDx
Classification: Uncertain significance. Last evaluated: 2025-06-15. Review status: criteria provided, single submitter. Criteria: GeneDx Variant Classification Process June 2021. Collection method: clinical testing. Allele origin: germline. Affected: yes.
Comment: Not observed at significant frequency in large population cohorts (gnomAD); In silico analysis suggests that this missense variant does not alter protein structure/function; Has not been previously published as pathogenic or benign to our knowledge